The following is an entry in ClinVar:

ClinVar aggregate classification (germline): Uncertain significance (1 of 4 stars; one submission).

Conditions:
Kleefstra syndrome 1 (KLEFS1). Identifiers: Orphanet 261494, MedGen C0795833, MONDO:0027407, OMIM 610253.

Submission:

Labcorp Genetics (formerly Invitae), Labcorp
Classification: Uncertain significance for Kleefstra syndrome 1. Last evaluated: 2023-07-25. Review status: criteria provided, single submitter. Criteria: Invitae Variant Classification Sherloc (09022015). Collection method: clinical testing. Allele origin: germline.
Comment: In summary, the available evidence is currently insufficient to determine the role of this variant in disease. Therefore, it has been classified as a Variant of Uncertain Significance. This sequence change replaces alanine, which is neutral and non-polar, with glycine, which is neutral and non-polar, at codon 542 of the EHMT1 protein (p.Ala542Gly). This variant is not present in population databases (gnomAD no frequency). This variant has not been reported in the literature in individuals affected with EHMT1-related conditions. Advanced modeling of protein sequence and biophysical properties (such as structural, functional, and spatial information, amino acid conservation, physicochemical variation, residue mobility, and thermodynamic stability) performed at Invitae indicates that this missense variant is not expected to disrupt EHMT1 protein function.

NM_024757.5(EHMT1):c.1625C>G (p.Ala542Gly)

Genes: EHMT1 (euchromatic histone lysine methyltransferase 1; plus strand), LOC130003148 (ATAC-STARR-seq lymphoblastoid active region 29369; plus strand). Cytogenetic location: 9q34.3.
Variant type: single nucleotide variant.
Coding change: c.1625C>G on transcript NM_024757.5 (MANE Select); coding-DNA position 1625, C replaced by G.
Protein change: p.Ala542Gly; replaces alanine 542 with glycine.
Molecular consequence: missense variant.
Genome position (GRCh38, 1-based): chr9:137,762,798, C>G. VCF-style: chr9-137762798-C-G. GRCh37 (hg19) VCF-style: chr9-140657250-C-G.
Other names: c.1625C>G, p.Ala542Gly (NM_001145527.2, NM_001354611.2); c.1532C>G, p.Ala511Gly (NM_001354259.2, NM_001354612.2); c.1604C>G, p.Ala535Gly (NM_001354263.2); short protein forms A535G, A542G, A511G.
Identifiers: ClinVar variation 2746862 (VCV002746862.3), dbSNP rs2542013385, ClinGen allele CA375769697.